The following is an entry in ClinVar:

NM_003128.3(SPTBN1):c.687C>T (p.Asn229=)

Gene: SPTBN1 (spectrin beta, non-erythrocytic 1; plus strand). Cytogenetic location: 2p16.2.
Variant type: single nucleotide variant.
Coding change: c.687C>T on transcript NM_003128.3 (MANE Select); coding-DNA position 687, C replaced by T.
Protein change: p.Asn229=; no amino-acid change (asparagine 229 retained).
Molecular consequence: synonymous variant.
Genome position (GRCh38, 1-based): chr2:54,618,117, C>T. VCF-style: chr2-54618117-C-T. GRCh37 (hg19) VCF-style: chr2-54845254-C-T.
Other names: c.648C>T, p.Asn216= (NM_178313.3).
Identifiers: ClinVar variation 3771646 (VCV003771646.13).

ClinVar aggregate classification (germline): Likely benign (1 of 4 stars; one submission).

gnomAD v4.1: 17 of 1,614,160 alleles (0.0011%); highest among the groups gnomAD compares: African/African-American, 0.0067%; no homozygotes.

Submission:

CeGaT Center for Human Genetics Tuebingen
Classification: Likely benign. Last evaluated: 2025-01-01. Review status: criteria provided, single submitter. Criteria: CeGaT Center For Human Genetics Tuebingen Variant Classification Criteria Version 2. Collection method: clinical testing. Allele origin: germline. Affected: yes. Observed: 1 variant allele.
Comment: SPTBN1: BP4, BP7